The following is an entry in ClinVar:

NM_007294.4(BRCA1):c.5075-3C>A

Gene: BRCA1 (BRCA1 DNA repair associated; minus strand). Cytogenetic location: 17q21.31.
Variant type: single nucleotide variant.
Coding change: c.5075-3C>A on transcript NM_007294.4 (MANE Select); 3 bases into the intron before coding-DNA position 5075, C replaced by A.
Molecular consequence: intron variant.
Genome position (GRCh38, 1-based): chr17:43,063,954, G>T on the plus strand (C>A on the coding strand, the complement: BRCA1 is on the minus strand). VCF-style: chr17-43063954-G-T. GRCh37 (hg19) VCF-style: chr17-41215971-G-T.
Other names: c.4865-3C>A (NM_001407886.1, NM_001407881.1, NM_001407887.1 and 5 more transcripts); c.4946-3C>A (NM_001407686.1, NM_001407685.1, NM_001407688.1 and 6 more transcripts); c.1760-3C>A (NM_001408397.1, NM_001408401.1, NM_001408396.1 and 8 more transcripts); c.5069-3C>A (NM_001407632.1, NM_001407627.1, NM_001407861.1 and 14 more transcripts); c.5072-3C>A (NM_001407613.1, NM_001407618.1, NM_001407614.1 and 17 more transcripts); c.1640-3C>A (NM_001408436.1, NM_001408435.1, NM_001408444.1 and 10 more transcripts); c.4952-3C>A (NM_001407665.1, NM_001407938.1, NM_001407667.1 and 6 more transcripts); c.1763-3C>A (NM_001407980.1, NM_001407993.1, NM_001407985.1 and 12 more transcripts); and 73 more.
Identifiers: ClinVar variation 868611 (VCV000868611.3), dbSNP rs398122690, ClinGen allele CA916080127.

Conditions:
Breast-ovarian cancer, familial, susceptibility to, 1 (BROVCA1). Also called: BRCA1 Hereditary Breast and Ovarian Cancer; OVARIAN CANCER, SUSCEPTIBILITY TO. Identifiers: Orphanet 145, MedGen C2676676, MONDO:0011450, OMIM 604370. Disease mechanism: loss of function.

Submission:

Brotman Baty Institute, University of Washington
No classification provided (evidence only). Condition: Breast-ovarian cancer, familial 1. Review status: no classification provided. Collection method: in vitro. Allele origin: not applicable. Functional consequence: functionally_abnormal.
ClinVar note: "not provided" was previously submitted as the classification for the variant. However, the classification appeared to be based only on an observation of functional data so it was converted to no classification on 2025-07-30.